The following is an entry in ClinVar:

NM_001145809.2(MYH14):c.4586G>A (p.Arg1529His)

Gene: MYH14 (myosin heavy chain 14; plus strand). Cytogenetic location: 19q13.33.
Variant type: single nucleotide variant.
Coding change: c.4586G>A on transcript NM_001145809.2 (MANE Select); coding-DNA position 4586, G replaced by A.
Protein change: p.Arg1529His; replaces arginine 1529 with histidine.
Molecular consequence: missense variant.
Genome position (GRCh38, 1-based): chr19:50,286,528, G>A. VCF-style: chr19-50286528-G-A. GRCh37 (hg19) VCF-style: chr19-50789785-G-A.
Other names: p.Arg1488His; c.4487G>A, p.Arg1496His (NM_001077186.2); c.4463G>A, p.Arg1488His (NM_024729.4); short protein forms R1529H, R1488H, R1496H.
Identifiers: ClinVar variation 178420 (VCV000178420.18), dbSNP rs185232438, ClinGen allele CA182291.

ClinVar aggregate classification (germline): Conflicting classifications of pathogenicity. Review status: criteria provided, conflicting classifications (1 of 4 stars). 7 submissions from 7 submitters: Uncertain significance (1); Benign (3); Likely benign (3). Last evaluated 2025-12-14.

Conditions:
Inborn genetic diseases. Identifiers: MedGen C0950123, MeSH D030342.

Allele frequency attached by ClinVar (database versions not stated): gnomAD exomes 0.00029 and 0.00080; ExAC 0.00110; 1000 Genomes Project 0.00280; gnomAD 0.00288 and 0.00309; ESP Exome Variant Server 0.00336; TOPMed 0.00337; 1000 Genomes Project 30x 0.00359.
gnomAD v4.1: 877 of 1,613,580 alleles (0.054%); highest among the groups gnomAD compares: African/African-American, 1%; 4 homozygotes.

Submissions (7):

Labcorp Genetics (formerly Invitae), Labcorp
Classification: Benign. Last evaluated: 2025-12-14. Review status: criteria provided, single submitter. Criteria: Invitae Variant Classification Sherloc (09022015). Collection method: clinical testing. Allele origin: germline.

Ambry Genetics
Classification: Uncertain significance for Inborn genetic diseases. Last evaluated: 2025-11-13. Review status: criteria provided, single submitter. Criteria: Ambry Variant Classification Scheme 2023. Collection method: clinical testing. Allele origin: germline.

Blueprint Genetics
Classification: Likely benign. Last evaluated: 2024-09-13. Review status: criteria provided, single submitter. Criteria: ACMG Guidelines, 2015. Collection method: clinical testing. Allele origin: germline.

Mayo Clinic Laboratories, Mayo Clinic
Classification: Benign. Last evaluated: 2024-02-27. Review status: criteria provided, single submitter. Criteria: ACMG Guidelines, 2015. Collection method: clinical testing. Allele origin: germline. Observed: 2 variant alleles.
Comment: BA1, BS2

GeneDx
Classification: Likely benign. Last evaluated: 2020-11-10. Review status: criteria provided, single submitter. Criteria: GeneDx Variant Classification Process June 2021. Collection method: clinical testing. Allele origin: germline. Affected: yes.

Laboratory for Molecular Medicine, Mass General Brigham Personalized Medicine
Classification: Benign. Last evaluated: 2012-04-30. Review status: criteria provided, single submitter. Criteria: LMM Criteria. Collection method: clinical testing. Allele origin: germline. Observed: 3 variant alleles.
Comment: Arg1529His in Exon 34 of MYH14: This variant is not expected to have clinical si gnificance because it has been identified in 1.1% (37/3450) of African American chromosomes from a broad population by the NHLBI Exome Sequencing Project.

Breakthrough Genomics
Classification: Likely benign. Review status: criteria provided, single submitter. Criteria: ACMG Guidelines, 2015. Collection method: not provided. Allele origin: germline. Inheritance: Autosomal dominant inheritance. Affected: yes.